The following is an entry in ClinVar:

NM_000548.5(TSC2):c.4959C>A (p.Ser1653=)

Gene: TSC2 (TSC complex subunit 2; plus strand). Cytogenetic location: 16p13.3.
Variant type: single nucleotide variant.
Coding change: c.4959C>A on transcript NM_000548.5 (MANE Select); coding-DNA position 4959, C replaced by A.
Protein change: p.Ser1653=; no amino-acid change (serine 1653 retained).
Molecular consequence: synonymous variant.
Genome position (GRCh38, 1-based): chr16:2,086,841, C>A. VCF-style: chr16-2086841-C-A. GRCh37 (hg19) VCF-style: chr16-2136842-C-A.
Other names: c.4758C>A, p.Ser1586= (NM_001077183.3); c.4890C>A, p.Ser1630= (NM_001114382.3); c.4650C>A, p.Ser1550= (NM_001318827.2); c.4614C>A, p.Ser1538= (NM_001318829.2); c.4227C>A, p.Ser1409= (NM_001318831.2); c.4791C>A, p.Ser1597= (NM_001318832.2); c.4761C>A, p.Ser1587= (NM_001363528.2); c.4827C>A, p.Ser1609= (NM_001370404.1); and 1 more.
Identifiers: ClinVar variation 49462 (VCV000049462.8), dbSNP rs45517384, ClinGen allele CA021400.

ClinVar aggregate classification (germline): Uncertain significance. Review status: criteria provided, multiple submitters, no conflicts (2 of 4 stars). 3 submissions from 3 submitters: Uncertain significance (2). 1 of the submissions does not count toward it. Last evaluated 2025-02-11.

Conditions:
Tuberous sclerosis syndrome (TSC). Also called: Tuberous Sclerosis Complex; Tuberous sclerosis. Identifiers: Orphanet 805, MedGen C0041341, MONDO:0001734.
Tuberous sclerosis 2 (TSC2). Identifiers: Orphanet 805, MedGen C1860707, MONDO:0013199, OMIM 613254.

Submissions (3):

Women's Health and Genetics/Laboratory Corporation of America, LabCorp
Classification: Uncertain significance. Last evaluated: 2025-02-11. Review status: criteria provided, single submitter. Criteria: LabCorp Variant Classification Summary - May 2015. Collection method: clinical testing. Allele origin: germline.
Comment: Variant summary: TSC2 c.4959C>A alters a non-conserved nucleotide resulting in a synonymous change in exon 38. Several computational tools predict a conflicting impact on normal splicing: Two predict the variant strengthens a cryptic exonic 3' splicing acceptor site. One predicts the variant strengthens a cryptic exonic 5' splicing donor site. One predicts no significant impact on splicing at the canonical intron 38 splicing donor site. Lastly, Transcript Inferred Pathogenicity (TraP) predicts a benign impact. However, these predictions have yet to be confirmed by functional studies. The variant was absent in 232198 control chromosomes. The available data on variant occurrences in the general population are insufficient to allow any conclusion about variant significance. To our knowledge, no occurrence of c.4959C>A in individuals affected with Tuberous Sclerosis Complex and no experimental evidence demonstrating its impact on protein function have been reported. ClinVar contains an entry for this variant (Variation ID: 49462). Based on the evidence outlined above, the variant was classified as uncertain significance.

Labcorp Genetics (formerly Invitae), Labcorp
Classification: Uncertain significance for Tuberous sclerosis 2. Last evaluated: 2022-11-22. Review status: criteria provided, single submitter. Criteria: Invitae Variant Classification Sherloc (09022015). Collection method: clinical testing. Allele origin: germline.
Comment: In summary, the available evidence is currently insufficient to determine the role of this variant in disease. Therefore, it has been classified as a Variant of Uncertain Significance. Algorithms developed to predict the effect of sequence changes on RNA splicing suggest that this variant may create or strengthen a splice site. ClinVar contains an entry for this variant (Variation ID: 49462). This variant has not been reported in the literature in individuals affected with TSC2-related conditions. This variant is not present in population databases (gnomAD no frequency). This sequence change affects codon 1653 of the TSC2 mRNA. It is a 'silent' change, meaning that it does not change the encoded amino acid sequence of the TSC2 protein.

Tuberous sclerosis database (TSC2)
No classification provided. Condition: TSC. Review status: no classification provided. Criteria: Tuberous Sclerosis Database Assertion Criteria 2015. Collection method: curation. Allele origin: germline. Affected: yes. Not counted in ClinVar's aggregate classification.